The following is an entry in ClinVar:

NM_000501.4(ELN):c.145G>A (p.Gly49Arg)

Gene: ELN (elastin; plus strand). Cytogenetic location: 7q11.23.
Variant type: single nucleotide variant.
Coding change: c.145G>A on transcript NM_000501.4 (MANE Select); coding-DNA position 145, G replaced by A.
Protein change: p.Gly49Arg; replaces glycine 49 with arginine.
Molecular consequence: missense variant. On other transcripts: intron variant (4).
Genome position (GRCh38, 1-based): chr7:74,036,566, G>A. VCF-style: chr7-74036566-G-A. GRCh37 (hg19) VCF-style: chr7-73450896-G-A.
Other names: c.145G>A, p.Gly49Arg (NM_001081753.3, NM_001081754.3, NM_001081755.3 and 5 more transcripts); c.134-1141G>A (NM_001278914.2, NM_001278917.2, NM_001081752.3 and 1 more transcripts); short protein forms G49R.
Identifiers: ClinVar variation 388702 (VCV000388702.35), dbSNP rs144757453, ClinGen allele CA4292320.

ClinVar aggregate classification (germline): Uncertain significance. Review status: criteria provided, multiple submitters, no conflicts (2 of 4 stars). 4 submissions from 4 submitters: Uncertain significance (4). Last evaluated 2025-11-09.

Conditions:
Familial thoracic aortic aneurysm and aortic dissection (TAAD). Also called: Thoracic aortic aneurysms and dissections. Identifiers: Orphanet 91387, MedGen C4707243, MONDO:0019625.
Supravalvar aortic stenosis (SVAS). Also called: Supravalvar aortic stenosis, Eisenberg type. Identifiers: Orphanet 3193, MedGen C0003499, MONDO:0008504, OMIM 185500, HP:0004381.

Allele frequency attached by ClinVar (database versions not stated): gnomAD 0.00005; gnomAD exomes 0.00005; TOPMed 0.00005; ExAC 0.00006; ESP Exome Variant Server 0.00023.
gnomAD v4.1: 87 of 1,613,948 alleles (0.0054%); highest among the groups gnomAD compares: African/African-American, 0.015%; no homozygotes.

Submissions (4):

Labcorp Genetics (formerly Invitae), Labcorp
Classification: Uncertain significance for Supravalvar aortic stenosis. Last evaluated: 2025-11-09. Review status: criteria provided, single submitter. Criteria: Invitae Variant Classification Sherloc (09022015). Collection method: clinical testing. Allele origin: germline.
Comment: This sequence change replaces glycine, which is neutral and non-polar, with arginine, which is basic and polar, at codon 49 of the ELN protein (p.Gly49Arg). This variant is present in population databases (rs144757453, gnomAD 0.009%). This variant has not been reported in the literature in individuals affected with ELN-related conditions. ClinVar contains an entry for this variant (Variation ID: 388702). Invitae Evidence Modeling of protein sequence and biophysical properties (such as structural, functional, and spatial information, amino acid conservation, physicochemical variation, residue mobility, and thermodynamic stability) indicates that this missense variant is not expected to disrupt ELN protein function with a negative predictive value of 80%. In summary, the available evidence is currently insufficient to determine the role of this variant in disease. Therefore, it has been classified as a Variant of Uncertain Significance.

GeneDx
Classification: Uncertain significance. Last evaluated: 2025-03-19. Review status: criteria provided, single submitter. Criteria: GeneDx Variant Classification Process June 2021. Collection method: clinical testing. Allele origin: germline. Affected: yes.
Comment: Has not been previously published as pathogenic or benign to our knowledge; In silico analysis supports that this missense variant has a deleterious effect on protein structure/function

Centre of Medical Genetics, University of Antwerp
Classification: Uncertain significance for Familial thoracic aortic aneurysm and aortic dissection. Last evaluated: 2024-09-06. Review status: criteria provided, single submitter. Criteria: ACMG Guidelines, 2015. Collection method: clinical testing. Allele origin: germline. Affected: yes.

CeGaT Center for Human Genetics Tuebingen
Classification: Uncertain significance. Last evaluated: 2022-10-01. Review status: criteria provided, single submitter. Criteria: CeGaT Center For Human Genetics Tuebingen Variant Classification Criteria Version 2. Collection method: clinical testing. Allele origin: germline. Affected: yes. Observed: 1 variant allele.
Comment: ELN: PP4